The following is an entry in ClinVar:

ClinVar aggregate classification (germline): Conflicting classifications of pathogenicity. Review status: criteria provided, conflicting classifications (1 of 4 stars). 4 submissions from 4 submitters: Uncertain significance (1); Benign (2); Likely benign (1). Last evaluated 2026-08-11.

Conditions:
Shprintzen-Goldberg syndrome (SGS). Also called: SHPRINTZEN-GOLDBERG CRANIOSYNOSTOSIS SYNDROME; CRANIOSYNOSTOSIS WITH ARACHNODACTYLY AND ABDOMINAL HERNIAS; Marfanoid disorder with craniosynostosis type 1; Marfanoid craniosynostosis syndrome; Shprintzen-Goldberg marfanoid syndrome. Identifiers: Orphanet 2462, MedGen C1321551, MONDO:0008426, OMIM 182212.
Familial thoracic aortic aneurysm and aortic dissection (TAAD). Also called: Thoracic aortic aneurysms and dissections. Identifiers: Orphanet 91387, MedGen C4707243, MONDO:0019625.

Allele frequency attached by ClinVar (database versions not stated): gnomAD 0.00003; gnomAD exomes 0.00005 and 0.00006; TOPMed 0.00017; ExAC 0.00024; ESP Exome Variant Server 0.00032.
gnomAD v4.1: 102 of 1,552,272 alleles (0.0066%); highest among the groups gnomAD compares: African/African-American, 0.049%; 1 homozygote.

Submissions (4):

GeneDx
Classification: Uncertain significance. Last evaluated: 2026-08-11. Review status: criteria provided, single submitter. Criteria: GeneDx Variant Classification Process June 2021. Collection method: clinical testing. Allele origin: germline.
Comment: In silico analysis suggests that this missense variant does not alter protein structure/function; Has not been previously published as pathogenic or benign to our knowledge

CeGaT Center for Human Genetics Tuebingen
Classification: Likely benign. Last evaluated: 2026-06-01. Review status: criteria provided, single submitter. Criteria: CeGaT Center For Human Genetics Tuebingen Variant Classification Criteria Version 2. Collection method: clinical testing. Allele origin: germline. Affected: yes. Observed: 2 variant alleles.
Comment: SKI: BS2

Labcorp Genetics (formerly Invitae), Labcorp
Classification: Benign for Shprintzen-Goldberg syndrome. Last evaluated: 2025-09-29. Review status: criteria provided, single submitter. Criteria: Invitae Variant Classification Sherloc (09022015). Collection method: clinical testing. Allele origin: germline.

Ambry Genetics
Classification: Benign for Familial thoracic aortic aneurysm and aortic dissection. Last evaluated: 2025-08-12. Review status: criteria provided, single submitter. Criteria: Ambry Variant Classification Scheme 2023. Collection method: clinical testing. Allele origin: germline.

NM_003036.4(SKI):c.1573G>A (p.Val525Ile)

Gene: SKI (SKI proto-oncogene; plus strand). Cytogenetic location: 1p36.32.
Variant type: single nucleotide variant.
Coding change: c.1573G>A on transcript NM_003036.4 (MANE Select); coding-DNA position 1573, G replaced by A.
Protein change: p.Val525Ile; replaces valine 525 with isoleucine.
Molecular consequence: missense variant.
Genome position (GRCh38, 1-based): chr1:2,304,391, G>A. VCF-style: chr1-2304391-G-A. GRCh37 (hg19) VCF-style: chr1-2235830-G-A.
Other names: p.V525I:GTC>ATC; short protein forms V525I.
Identifiers: ClinVar variation 213676 (VCV000213676.39), dbSNP rs141961299, ClinGen allele CA322059.